The following is an entry in ClinVar:

ClinVar aggregate classification (germline): Pathogenic. Review status: criteria provided, multiple submitters, no conflicts (2 of 4 stars). 7 submissions from 7 submitters: Pathogenic (4). 3 of the submissions do not count toward it. Last evaluated 2025-07-17.

Conditions:
ALDH3A2-related disorder. Also called: ALDH3A2-related condition.
Sjögren-Larsson syndrome (SLS). Also called: ICHTHYOSIS, SPASTIC NEUROLOGIC DISORDER, AND OLIGOPHRENIA; FALDH DEFICIENCY; FATTY ALCOHOL:NAD+ OXIDOREDUCTASE DEFICIENCY; FATTY ALDEHYDE DEHYDROGENASE DEFICIENCY. Identifiers: Orphanet 816, MedGen C0037231, MONDO:0010031, OMIM 270200.

Submissions (7):

Natera, Inc.
Classification: Pathogenic for Sjögren-Larsson syndrome. Last evaluated: 2025-07-17. Review status: criteria provided, single submitter. Criteria: Natera Variant Classification Schema (03/2026). Collection method: clinical testing. Allele origin: germline.
Comment: The c.1307_1311dupACAAA variant in ALDH3A2 is a frameshift variant predicted to shift the reading frame beginning at codon 438 and leads to a stop codon 21 codons downstream. This variant is expected to result in nonsense mediated decay, truncation, or a dysfunctional protein product. This variant is rare in the general population with a frequency below the threshold expected for the associated phenotype(s). This variant has been observed in one or more individuals affected with the associated recessive disease, as either homozygous or compound heterozygous with a second variant (PMID: 9250352). Given the available evidence, this variant is classified as Pathogenic.

Fulgent Genetics
Classification: Pathogenic for Sjögren-Larsson syndrome. Last evaluated: 2024-02-23. Review status: criteria provided, single submitter. Criteria: ACMG Guidelines, 2015. Collection method: clinical testing. Allele origin: germline.

Blueprint Genetics
Classification: Pathogenic for ALDH3A2-related disorders. Last evaluated: 2022-11-01. Review status: criteria provided, single submitter. Criteria: ACMG Guidelines, 2015. Collection method: clinical testing. Allele origin: germline. Affected: yes. Observed: 4 variant alleles.

Labcorp Genetics (formerly Invitae), Labcorp
Classification: Pathogenic. Last evaluated: 2022-06-27. Review status: criteria provided, single submitter. Criteria: Invitae Variant Classification Sherloc (09022015). Collection method: clinical testing. Allele origin: germline.
Comment: For these reasons, this variant has been classified as Pathogenic. ClinVar contains an entry for this variant (Variation ID: 1642). This variant is also known as 1311insACAAA. This premature translational stop signal has been observed in individual(s) with Sjogren-Larsson syndrome (PMID: 9250352). This variant is not present in population databases (gnomAD no frequency). This sequence change creates a premature translational stop signal (p.Leu438Thrfs*21) in the ALDH3A2 gene. It is expected to result in an absent or disrupted protein product. Loss-of-function variants in ALDH3A2 are known to be pathogenic (PMID: 10577908, 10854114).

Counsyl
Classification: Pathogenic for Sjögren-Larsson syndrome. Last evaluated: 2018-03-05. Review status: no assertion criteria provided. Collection method: clinical testing. Allele origin: unknown. Not counted in ClinVar's aggregate classification.

Mayo Clinic Laboratories, Mayo Clinic
Classification: Likely pathogenic. Last evaluated: 2016-03-10. Review status: no assertion criteria provided. Collection method: clinical testing. Allele origin: unknown. Not counted in ClinVar's aggregate classification.

OMIM
Classification: Pathogenic for SJOGREN-LARSSON SYNDROME. Last evaluated: 1997-05-01. Review status: no assertion criteria provided. Collection method: literature only. Allele origin: germline. Not counted in ClinVar's aggregate classification.

Literature cited by the submitters: PubMed 9250352 (cited by 4 submitters); PubMed 10577908 (cited by Labcorp Genetics (formerly Invitae), Labcorp and Counsyl); PubMed 10854114 (cited by Labcorp Genetics (formerly Invitae), Labcorp).

NM_000382.3(ALDH3A2):c.1307_1311dup (p.Leu438fs)

Gene: ALDH3A2 (aldehyde dehydrogenase 3 family member A2; plus strand). Cytogenetic location: 17p11.2.
Variant type: Duplication.
Coding change: c.1307_1311dup on transcript NM_000382.3 (MANE Select); coding-DNA positions 1307 to 1311, 5 bases duplicated (ACAAA; older notation c.1307_1311dupACAAA).
Protein change: p.Leu438fs; shifts the reading frame from leucine 438.
Molecular consequence: frameshift variant. On other transcripts: intron variant (1).
Genome position (GRCh38, 1-based): chr17:19,671,820-19,671,824, ACAAA duplicated; duplicating any 5 consecutive bases within chr17:19,671,819-19,671,824 gives the same sequence; the c. name uses the placement nearest the transcript's 3' end. VCF-style (leftmost placement, unchanged base first): chr17-19671818-T-TAACAA. GRCh37 (hg19) VCF-style: chr17-19575131-T-TAACAA.
Other names: c.1307_1311dup, p.Leu438fs (NM_001031806.2, NM_001369136.1, NM_001369137.2 and 2 more transcripts); c.728_732dup, p.Leu245fs (NM_001369148.2); c.1208-3738_1208-3734dup (NM_001369146.2); c.1307_1311dup5 (NM_000382.2); c.1307_1311dupACAAA (NM_000382.2); short protein forms L438fs, L245fs.
Identifiers: ClinVar variation 1642 (VCV000001642.15), dbSNP rs387906257, ClinGen allele CA115118.
Genomic context (GRCh38, chr17:19,671,818, plus strand): 5'-TTTTGATACTTTTTCTCATCAGCGTCCCTGTTTATTAAAAAGTTTAAAGAGAGAAGGTGC[T>TAACAA]AACAAACTCAGATATCCTCCCAACAGCCAGTCAAAGGTGGATTGGGGAAAATTTTTTCTC-3'